The following is an entry in ClinVar:

NM_002734.5(PRKAR1A):c.678C>T (p.Ile226=)

Gene: PRKAR1A (protein kinase cAMP-dependent type I regulatory subunit alpha; plus strand). Cytogenetic location: 17q24.2.
Variant type: single nucleotide variant.
Coding change: c.678C>T on transcript NM_002734.5 (MANE Select); coding-DNA position 678, C replaced by T.
Protein change: p.Ile226=; no amino-acid change (isoleucine 226 retained).
Molecular consequence: synonymous variant.
Genome position (GRCh38, 1-based): chr17:68,525,882, C>T. VCF-style: chr17-68525882-C-T. GRCh37 (hg19) VCF-style: chr17-66522023-C-T.
Other names: c.678C>T, p.Ile226= (NM_001276289.2, NM_001276290.1, NM_001278433.2 and 4 more transcripts).
Identifiers: ClinVar variation 324783 (VCV000324783.46), dbSNP rs200592054, ClinGen allele CA8729331.

ClinVar aggregate classification (germline): Benign/Likely benign. Review status: criteria provided, multiple submitters, no conflicts (2 of 4 stars). 9 submissions from 8 submitters: Benign (7); Likely benign (2). Last evaluated 2026-02-03.

Conditions:
Hereditary cancer-predisposing syndrome. Also called: Tumor predisposition; Hereditary Cancer Syndrome; Neoplastic Syndromes, Hereditary; Hereditary neoplastic syndrome. Identifiers: Orphanet 140162, MedGen C0027672, MeSH D009386, MONDO:0015356.
Carney complex, type 1 (CNC1). Also called: CARNEY MYXOMA-ENDOCRINE COMPLEX; CARNEY COMPLEX, TYPE I. Identifiers: Orphanet 1359, MedGen C2607929, MONDO:0008057, OMIM 160980.
Acrodysostosis 1 with or without hormone resistance (ACRDYS1). Also called: ACRODYSOSTOSIS 1 WITH HORMONE RESISTANCE; ACRODYSOSTOSIS 1 WITHOUT HORMONE RESISTANCE; ACRODYSOSTOSIS WITH HORMONE RESISTANCE. Identifiers: Orphanet 280651, MedGen C3276228, MONDO:0007044, OMIM 101800.

Allele frequency attached by ClinVar (database versions not stated): gnomAD exomes 0.00024 and 0.00078; gnomAD 0.00026 and 0.00030; TOPMed 0.00045; 1000 Genomes Project 30x 0.00047; 1000 Genomes Project 0.00060; ExAC 0.00072.
gnomAD v4.1: 404 of 1,613,526 alleles (0.025%); highest among the groups gnomAD compares: East Asian, 0.77%; 3 homozygotes.

Submissions (9):

Labcorp Genetics (formerly Invitae), Labcorp
Classification: Benign for Carney complex, type 1. Last evaluated: 2026-02-03. Review status: criteria provided, single submitter. Criteria: Invitae Variant Classification Sherloc (09022015). Collection method: clinical testing. Allele origin: germline.

Blueprint Genetics
Classification: Likely benign. Last evaluated: 2024-07-30. Review status: criteria provided, single submitter. Criteria: ACMG Guidelines, 2015. Collection method: clinical testing. Allele origin: germline.

CeGaT Center for Human Genetics Tuebingen
Classification: Likely benign. Last evaluated: 2023-04-01. Review status: criteria provided, single submitter. Criteria: CeGaT Center For Human Genetics Tuebingen Variant Classification Criteria Version 2. Collection method: clinical testing. Allele origin: germline. Affected: yes. Observed: 3 variant alleles.
Comment: PRKAR1A: BP4, BP7

Sema4
Classification: Benign for Hereditary cancer-predisposing syndrome. Last evaluated: 2021-01-11. Review status: criteria provided, single submitter. Criteria: Sema4 Curation Guidelines. Collection method: curation. Allele origin: germline.

Illumina Laboratory Services, Illumina
Classification: Benign for Acrodysostosis 1 with or without hormone resistance. Last evaluated: 2018-01-12. Review status: criteria provided, single submitter. Criteria: ICSL Variant Classification Criteria 13 December 2019. Collection method: clinical testing. Allele origin: germline.
Comment: This variant was observed in the ICSL laboratory as part of a predisposition screen in an ostensibly healthy population. It had not been previously curated by ICSL or reported in the Human Gene Mutation Database (HGMD: prior to June 1st, 2018), and was therefore a candidate for classification through an automated scoring system. Utilizing variant allele frequency, disease prevalence and penetrance estimates, and inheritance mode, an automated score was calculated to assess if this variant is too frequent to cause the disease. Based on the score and internal cut-off values, a variant classified as benign is not then subjected to further curation. The score for this variant resulted in a classification of benign for this disease.

Illumina Laboratory Services, Illumina
Classification: Benign for Carney complex, type 1. Last evaluated: 2018-01-12. Review status: criteria provided, single submitter. Criteria: ICSL Variant Classification Criteria 13 December 2019. Collection method: clinical testing. Allele origin: germline.
Comment: the same text as in the submission from Illumina Laboratory Services, Illumina above.

Ambry Genetics
Classification: Benign for Hereditary cancer-predisposing syndrome. Last evaluated: 2017-04-20. Review status: criteria provided, single submitter. Criteria: Ambry Variant Classification Scheme 2023. Collection method: clinical testing. Allele origin: germline.

Women's Health and Genetics/Laboratory Corporation of America, LabCorp
Classification: Benign. Last evaluated: 2017-02-23. Review status: criteria provided, single submitter. Criteria: LabCorp Variant Classification Summary - May 2015. Collection method: clinical testing. Allele origin: germline.
Comment: Variant summary: The PRKAR1A c.678C>T (p.Ile226Ile) variant causes a synonymous change involving the alteration of a non-conserved nucleotide, which 5/5 splice prediction tools predict no significant impact on normal splicing. ESE finder predicts alterations to ESE binding. However, these predictions have yet to be confirmed by functional studies. The variant of interest was observed in the large, broad control population, ExAC, with an allele frequency of 87/121124, predominantly observed in the East Asian subpopulation at a frequency of 0.009961 (86/8634). This frequency is about 5313 times the estimated maximal expected allele frequency of a pathogenic PRKAR1A variant (0.0000019), suggesting this is likely a benign polymorphism found primarily in the populations of East Asian origin. In addition, a clinical diagnostic laboratory classifies the variant as "likely benign." The variant of interest has not, to our knowledge, been reported in affected individuals via publications. Taken together, this variant is classified as benign.

Breakthrough Genomics
Classification: Benign. Review status: criteria provided, single submitter. Criteria: ACMG Guidelines, 2015. Collection method: not provided. Allele origin: germline. Inheritance: Autosomal dominant inheritance. Affected: yes.